The following is an entry in ClinVar:

ClinVar aggregate classification (germline): Uncertain significance (1 of 4 stars; one submission).

Allele frequency attached by ClinVar (database versions not stated): ExAC 0.00001; gnomAD exomes 0.00001; TOPMed 0.00001.
gnomAD v4.1: 6 of 1,614,184 alleles (0.00037%); highest among the groups gnomAD compares: Admixed American, 0.01%; no homozygotes.

Submission:

Labcorp Genetics (formerly Invitae), Labcorp
Classification: Uncertain significance. Last evaluated: 2023-09-19. Review status: criteria provided, single submitter. Criteria: Invitae Variant Classification Sherloc (09022015). Collection method: clinical testing. Allele origin: germline.
Comment: This sequence change falls in intron 3 of the TSEN34 gene. It does not directly change the encoded amino acid sequence of the TSEN34 protein. This variant is present in population databases (rs767719199, gnomAD 0.02%). This variant has not been reported in the literature in individuals affected with TSEN34-related conditions. Algorithms developed to predict the effect of sequence changes on RNA splicing suggest that this variant may create or strengthen a splice site. In summary, the available evidence is currently insufficient to determine the role of this variant in disease. Therefore, it has been classified as a Variant of Uncertain Significance.

NM_001077446.4(TSEN34):c.487+11G>T

Gene: TSEN34 (tRNA splicing endonuclease subunit 34; plus strand). Cytogenetic location: 19q13.42.
Variant type: single nucleotide variant.
Coding change: c.487+11G>T on transcript NM_001077446.4 (MANE Select); 11 bases into the intron after coding-DNA position 487, G replaced by T.
Molecular consequence: intron variant.
Genome position (GRCh38, 1-based): chr19:54,191,975, G>T. VCF-style: chr19-54191975-G-T. GRCh37 (hg19) VCF-style: chr19-54695826-G-T.
Other names: c.487+11G>T (NM_024075.5, NM_001386740.1, NM_001282333.2 and 1 more transcripts).
Identifiers: ClinVar variation 3005086 (VCV003005086.3), dbSNP rs767719199, ClinGen allele CA309374158.